The following is an entry in ClinVar:

ClinVar aggregate classification (germline): Likely pathogenic. Review status: criteria provided, multiple submitters, no conflicts (2 of 4 stars). 6 submissions from 6 submitters: Likely pathogenic (5). 1 of the submissions does not count toward it. Last evaluated 2024-02-14.

Conditions:
Charlevoix-Saguenay spastic ataxia (SACS). Also called: Spastic ataxia of Charlevoix-Saguenay; AUTOSOMAL RECESSIVE SPASTIC ATAXIA OF CHARLEVOIX-SAGUENAY; SPASTIC ATAXIA 6, AUTOSOMAL RECESSIVE. Identifiers: Orphanet 98, MedGen C1849140, MONDO:0010041, OMIM 270550.
Spastic paraplegia. Identifiers: MedGen C0037772, HP:0001258.
SACS-related disorder. Also called: SACS-related condition.

Allele frequency attached by ClinVar (database versions not stated): gnomAD exomes below 0.00001; TOPMed below 0.00001.

Submissions (6):

Fulgent Genetics
Classification: Likely pathogenic for Charlevoix-Saguenay spastic ataxia. Last evaluated: 2024-02-14. Review status: criteria provided, single submitter. Criteria: ACMG Guidelines, 2015. Collection method: clinical testing. Allele origin: germline.

Baylor Genetics
Classification: Likely pathogenic for Charlevoix-Saguenay spastic ataxia. Last evaluated: 2023-01-06. Review status: criteria provided, single submitter. Criteria: ACMG Guidelines, 2015. Collection method: clinical testing. Allele origin: unknown.

Labcorp Genetics (formerly Invitae), Labcorp
Classification: Likely pathogenic for Spastic paraplegia. Last evaluated: 2022-12-16. Review status: criteria provided, single submitter. Criteria: Invitae Variant Classification Sherloc (09022015). Collection method: clinical testing. Allele origin: germline.
Comment: This sequence change creates a premature translational stop signal (p.Tyr4428*) in the SACS gene. While this is not anticipated to result in nonsense mediated decay, it is expected to disrupt the last 152 amino acid(s) of the SACS protein. This variant is not present in population databases (gnomAD no frequency). This variant has not been reported in the literature in individuals affected with SACS-related conditions. ClinVar contains an entry for this variant (Variation ID: 371248). This variant disrupts the p.Asn4549 amino acid residue in SACS. Other variant(s) that disrupt this residue have been determined to be pathogenic (PMID: 15156359, 21507954). This suggests that this residue is clinically significant, and that variants that disrupt this residue are likely to be disease-causing. In summary, the currently available evidence indicates that the variant is pathogenic, but additional data are needed to prove that conclusively. Therefore, this variant has been classified as Likely Pathogenic.

Revvity Omics, Revvity
Classification: Likely pathogenic for Charlevoix-Saguenay spastic ataxia. Last evaluated: 2021-04-16. Review status: criteria provided, single submitter. Criteria: ACMG Guidelines, 2015. Collection method: clinical testing. Allele origin: germline.

Blueprint Genetics
Classification: Likely pathogenic for SACS-related disorders. Last evaluated: 2017-07-27. Review status: criteria provided, single submitter. Criteria: ACMG Guidelines, 2015. Collection method: clinical testing. Allele origin: germline. Affected: yes. Observed: 1 variant allele.

Counsyl
Classification: Likely pathogenic for Charlevoix-Saguenay spastic ataxia. Last evaluated: 2016-08-08. Review status: no assertion criteria provided. Collection method: clinical testing. Allele origin: unknown. Not counted in ClinVar's aggregate classification.

Literature cited by the submitters: PubMed 15156359 (cited by Labcorp Genetics (formerly Invitae), Labcorp); PubMed 21507954 (cited by Labcorp Genetics (formerly Invitae), Labcorp and Counsyl); PubMed 26366743 (cited by Counsyl).

NM_014363.6(SACS):c.13283dup (p.Tyr4428Ter)

Gene: SACS (sacsin molecular chaperone; minus strand). Cytogenetic location: 13q12.12.
Variant type: Duplication.
Coding change: c.13283dup on transcript NM_014363.6 (MANE Select); coding-DNA position 13283, one base duplicated (A; older notation c.13283dupA).
Protein change: p.Tyr4428Ter; replaces tyrosine 4428 with a stop codon.
Molecular consequence: nonsense.
Genome position (GRCh38, 1-based): chr13:23,330,593, T duplicated on the plus strand (A on the coding strand, the reverse complement: SACS is on the minus strand). VCF-style (leftmost placement, unchanged base first): chr13-23330592-G-GT. GRCh37 (hg19) VCF-style: chr13-23904731-G-GT.
Other names: c.12842dup, p.Tyr4281Ter (NM_001278055.2); short protein forms Y4281*, Y4428*.
Identifiers: ClinVar variation 371248 (VCV000371248.19), dbSNP rs1057517123, ClinGen allele CA16041596.